The following is an entry in ClinVar:

NM_005548.3(KARS1):c.482+8G>A

Gene: KARS1 (lysyl-tRNA synthetase 1; minus strand). Cytogenetic location: 16q23.1.
Variant type: single nucleotide variant.
Coding change: c.482+8G>A on transcript NM_005548.3 (MANE Select); 8 bases into the intron after coding-DNA position 482, G replaced by A.
Molecular consequence: intron variant.
Genome position (GRCh38, 1-based): chr16:75,636,446, C>T on the plus strand (G>A on the coding strand, the complement: KARS1 is on the minus strand). VCF-style: chr16-75636446-C-T. GRCh37 (hg19) VCF-style: chr16-75670344-C-T.
Other names: p.?; c.566+8G>A (NM_001130089.2); c.14+8G>A (NM_001378148.1).
Identifiers: ClinVar variation 320638 (VCV000320638.42), dbSNP rs377697859, ClinGen allele CA8177608.

ClinVar aggregate classification (germline): Conflicting classifications of pathogenicity. Review status: criteria provided, conflicting classifications (1 of 4 stars). 6 submissions from 6 submitters: Uncertain significance (1); Benign (1); Likely benign (4). Last evaluated 2025-12-14.

Allele frequency attached by ClinVar (database versions not stated): gnomAD 0.00019; ESP Exome Variant Server 0.00023; TOPMed 0.00026; 1000 Genomes Project 30x 0.00031; 1000 Genomes Project 0.00040.
gnomAD v4.1: 555 of 1,582,304 alleles (0.035%); highest among the groups gnomAD compares: South Asian, 0.17%; 3 homozygotes.

Submissions (6):

Labcorp Genetics (formerly Invitae), Labcorp
Classification: Likely benign. Last evaluated: 2025-12-14. Review status: criteria provided, single submitter. Criteria: Invitae Variant Classification Sherloc (09022015). Collection method: clinical testing. Allele origin: germline.

Mayo Clinic Laboratories, Mayo Clinic
Classification: Benign. Last evaluated: 2024-12-10. Review status: criteria provided, single submitter. Criteria: ACMG Guidelines, 2015. Collection method: clinical testing. Allele origin: germline. Observed: 1 variant allele.
Comment: BS1, BS2, BP4, BP7

Blueprint Genetics
Classification: Likely benign. Last evaluated: 2024-09-17. Review status: criteria provided, single submitter. Criteria: ACMG Guidelines, 2015. Collection method: clinical testing. Allele origin: germline.

CeGaT Center for Human Genetics Tuebingen
Classification: Likely benign. Last evaluated: 2023-08-01. Review status: criteria provided, single submitter. Criteria: CeGaT Center For Human Genetics Tuebingen Variant Classification Criteria Version 2. Collection method: clinical testing. Allele origin: germline. Affected: yes. Observed: 1 variant allele.
Comment: KARS1: BP4

GeneDx
Classification: Likely benign. Last evaluated: 2018-03-22. Review status: criteria provided, single submitter. Criteria: GeneDx Variant Classification (06012015). Collection method: clinical testing. Allele origin: germline. Affected: yes.
Comment: This variant is considered likely benign or benign based on one or more of the following criteria: it is a conservative change, it occurs at a poorly conserved position in the protein, it is predicted to be benign by multiple in silico algorithms, and/or has population frequency not consistent with disease.

Eurofins Ntd Llc (ga)
Classification: Uncertain significance. Last evaluated: 2018-01-15. Review status: criteria provided, single submitter. Criteria: EGL Classification Definitions 2015. Collection method: clinical testing. Allele origin: germline. Observed: 1 variant allele, 1 heterozygote.